The following is an entry in ClinVar:

ClinVar aggregate classification (germline): Likely benign (0 of 4 stars; one submission).

Conditions:
PDXDC1-related disorder. Also called: PDXDC1-related condition.

Allele frequency attached by ClinVar (database versions not stated): 1000 Genomes Project 0.00060; 1000 Genomes Project 30x 0.00062; ExAC 0.00301; TOPMed 0.00340; gnomAD 0.00355; gnomAD exomes 0.00570; ESP Exome Variant Server 0.00616.
gnomAD v4.1: 8,799 of 1,613,052 alleles (0.55%); highest among the groups gnomAD compares: Non-Finnish European, 0.7%; 31 homozygotes.

Submission:

PreventionGenetics, part of Exact Sciences
Classification: Likely benign for PDXDC1-related condition. Last evaluated: 2019-08-29. Review status: no assertion criteria provided. Collection method: clinical testing. Allele origin: germline.
Comment: This variant is classified as likely benign based on ACMG/AMP sequence variant interpretation guidelines (Richards et al. 2015 PMID: 25741868, with internal and published modifications).

NM_015027.4(PDXDC1):c.1823A>C (p.Asn608Thr)

Gene: PDXDC1 (pyridoxal dependent decarboxylase domain containing 1). Cytogenetic location: 16p13.11.
Variant type: single nucleotide variant.
Coding change: c.1823A>C on transcript NM_015027.4 (MANE Select); coding-DNA position 1823, A replaced by C.
Protein change: p.Asn608Thr; replaces asparagine 608 with threonine.
Molecular consequence: missense variant. On other transcripts: intron variant (3).
Genome position (GRCh38, 1-based): chr16:15,034,296, A>C. VCF-style: chr16-15034296-A-C. GRCh37 (hg19) VCF-style: chr16-15128153-A-C.
Other names: c.1742A>C, p.Asn581Thr (NM_001285444.2); c.1739A>C, p.Asn580Thr (NM_001285445.2); c.1778A>C, p.Asn593Thr (NM_001285447.1); c.1550A>C, p.Asn517Thr (NM_001285448.1); c.1820A>C, p.Asn607Thr (NM_001324019.2); c.1399+4240A>C (NM_001285449.2); c.1318+4240A>C (NM_001324021.2); c.1396+4240A>C (NM_001324020.2); short protein forms N517T, N580T, N581T, N593T, N607T, N608T.
Identifiers: ClinVar variation 3055725 (VCV003055725.2), dbSNP rs117719642, ClinGen allele CA7915505.